The following is an entry in ClinVar:

NM_000551.4(VHL):c.596A>C (p.Glu199Ala)

Genes: VHL (von Hippel-Lindau tumor suppressor; plus strand), LOC107303340 (3p25 von Hippel-Lindau tumor suppressor, E3 ubiquitin protein ligase Alu-mediated recombination region; plus strand). Cytogenetic location: 3p25.3.
Variant type: single nucleotide variant.
Coding change: c.596A>C on transcript NM_000551.4 (MANE Select); coding-DNA position 596, A replaced by C.
Protein change: p.Glu199Ala; replaces glutamic acid 199 with alanine.
Molecular consequence: missense variant. On other transcripts: 3 prime UTR variant (1).
Genome position (GRCh38, 1-based): chr3:10,149,919, A>C. VCF-style: chr3-10149919-A-C. GRCh37 (hg19) VCF-style: chr3-10191603-A-C.
Other names: c.*150A>C (NM_001354723.2); c.473A>C, p.Glu158Ala (NM_198156.3); short protein forms E199A, E158A.
Identifiers: ClinVar variation 526682 (VCV000526682.23), dbSNP rs760690217, ClinGen allele CA041760.

ClinVar aggregate classification (germline): Uncertain significance. Review status: criteria provided, multiple submitters, no conflicts (2 of 4 stars). 6 submissions from 6 submitters: Uncertain significance (6). Last evaluated 2026-01-14.

Conditions:
Hereditary cancer-predisposing syndrome. Also called: Neoplastic Syndromes, Hereditary; Tumor predisposition; Hereditary neoplastic syndrome; Hereditary Cancer Syndrome. Identifiers: Orphanet 140162, MedGen C0027672, MeSH D009386, MONDO:0015356.
Chuvash polycythemia. Also called: POLYCYTHEMIA, VHL-DEPENDENT. Identifiers: Orphanet 238557, MedGen C1837915, MONDO:0009892, OMIM 263400.
Von Hippel-Lindau syndrome (VHLS). Also called: von Hippel–Lindau syndrome; VHL syndrome; Von Hippel-Lindau. Identifiers: Orphanet 892, MedGen C0019562, MONDO:0008667, OMIM 193300. Disease mechanism: loss of function.

Allele frequency attached by ClinVar (database versions not stated): ExAC 0.00001; gnomAD exomes 0.00001; TOPMed 0.00001.
gnomAD v4.1: 4 of 1,614,206 alleles (0.00025%); highest among the groups gnomAD compares: Non-Finnish European, 0.00025%; no homozygotes.

Submissions (6):

Labcorp Genetics (formerly Invitae), Labcorp
Classification: Uncertain significance for Von Hippel-Lindau syndrome; Chuvash polycythemia. Last evaluated: 2026-01-14. Review status: criteria provided, single submitter. Criteria: Invitae Variant Classification Sherloc (09022015). Collection method: clinical testing. Allele origin: germline.
Comment: This sequence change replaces glutamic acid, which is acidic and polar, with alanine, which is neutral and non-polar, at codon 199 of the VHL protein (p.Glu199Ala). This variant is present in population databases (rs760690217, gnomAD 0.002%). This variant has not been reported in the literature in individuals affected with VHL-related conditions. ClinVar contains an entry for this variant (Variation ID: 526682). An algorithm developed to predict the effect of missense changes on protein structure and function outputs the following: PolyPhen-2: "Benign". The alanine amino acid residue is found in multiple mammalian species, which suggests that this missense change does not adversely affect protein function. In summary, the available evidence is currently insufficient to determine the role of this variant in disease. Therefore, it has been classified as a Variant of Uncertain Significance.

GeneDx
Classification: Uncertain significance. Last evaluated: 2024-08-06. Review status: criteria provided, single submitter. Criteria: GeneDx Variant Classification Process June 2021. Collection method: clinical testing. Allele origin: germline. Affected: yes.
Comment: Not observed at significant frequency in large population cohorts (gnomAD); Has not been previously published as pathogenic or benign to our knowledge; In silico analysis indicates that this missense variant does not alter protein structure/function

All of Us Research Program, National Institutes of Health
Classification: Uncertain significance for Von Hippel-Lindau syndrome. Last evaluated: 2024-07-29. Review status: criteria provided, single submitter. Criteria: ACMG Guidelines, 2015. Collection method: clinical testing. Allele origin: germline. Inheritance: Autosomal dominant inheritance. Observed: 2 variant alleles, 2 heterozygotes.
Comment: This missense variant replaces glutamic acid with alanine at codon 199 of the VHL protein. Computational prediction suggests that this variant may not impact protein structure and function (internally defined REVEL score threshold <= 0.5, PMID: 27666373). To our knowledge, functional studies have not been reported for this variant. This variant has not been reported in individuals affected with hereditary cancer in the literature. This variant has been identified in 2/251404 chromosomes in the general population by the Genome Aggregation Database (gnomAD). The available evidence is insufficient to determine the role of this variant in disease conclusively. Therefore, this variant is classified as a Variant of Uncertain Significance.

This study involves interpretation of variants in research participants for the purpose of population health screening. Participant phenotype was not available at the time of variant classification. Additional details can be found in publication PMID: 35346344, PMCID: PMC8962531

Color Diagnostics, LLC DBA Color Health
Classification: Uncertain significance for Von Hippel-Lindau syndrome. Last evaluated: 2024-07-17. Review status: criteria provided, single submitter. Criteria: ACMG Guidelines, 2015. Collection method: clinical testing. Allele origin: germline.
Comment: This missense variant replaces glutamic acid with alanine at codon 199 of the VHL protein. Computational prediction suggests that this variant may not impact protein structure and function. To our knowledge, functional studies have not been reported for this variant. This variant has not been reported in individuals affected with hereditary cancer in the literature. This variant has been identified in 2/251404 chromosomes in the general population by the Genome Aggregation Database (gnomAD). The available evidence is insufficient to determine the role of this variant in disease conclusively. Therefore, this variant is classified as a Variant of Uncertain Significance.

Ambry Genetics
Classification: Uncertain significance for Hereditary cancer-predisposing syndrome. Last evaluated: 2024-02-05. Review status: criteria provided, single submitter. Criteria: Ambry Variant Classification Scheme 2023. Collection method: clinical testing. Allele origin: germline.
Comment: The p.E199A variant (also known as c.596A>C), located in coding exon 3 of the VHL gene, results from an A to C substitution at nucleotide position 596. The glutamic acid at codon 199 is replaced by alanine, an amino acid with dissimilar properties. This amino acid position is poorly conserved in available vertebrate species. In addition, the in silico prediction for this alteration is inconclusive. Since supporting evidence is limited at this time, the clinical significance of this alteration remains unclear.

Baylor Genetics
Classification: Uncertain significance for Chuvash polycythemia. Last evaluated: 2024-01-30. Review status: criteria provided, single submitter. Criteria: ACMG Guidelines, 2015. Collection method: clinical testing. Allele origin: unknown.